The following is an entry in ClinVar:

NM_001367561.1(DOCK7):c.2560C>T (p.Arg854Cys)

Gene: DOCK7 (dedicator of cytokinesis 7; minus strand). Cytogenetic location: 1p31.3.
Variant type: single nucleotide variant.
Coding change: c.2560C>T on transcript NM_001367561.1 (MANE Select); coding-DNA position 2560, C replaced by T.
Protein change: p.Arg854Cys; replaces arginine 854 with cysteine.
Molecular consequence: missense variant.
Genome position (GRCh38, 1-based): chr1:62,555,861, G>A on the plus strand (C>T on the coding strand, the complement: DOCK7 is on the minus strand). VCF-style: chr1-62555861-G-A. GRCh37 (hg19) VCF-style: chr1-63021532-G-A.
Other names: c.2560C>T, p.Arg854Cys (NM_001271999.2, NM_001272000.2, NM_001272001.2 and 2 more transcripts); short protein forms R854C.
Identifiers: ClinVar variation 567569 (VCV000567569.8), dbSNP rs759756037, ClinGen allele CA886241.
Genomic context (GRCh38, chr1:62,555,861, plus strand): 5'-TTCATAGTAAAAAGAATAAAATACCTGGTGATGATGAATTAGGGTAAGTATTTGGTAGGC[G>A]GAAAACATAATGAATATATGATGCAAGAAGGCTGTTTCTGCCATGCTGGTCATGATTTCC-3'
Protein context (NP_001354490.1, residues 844-864): LLASYIHYVF[Arg854Cys]LPNTYPNSSS

ClinVar aggregate classification (germline): Uncertain significance (1 of 4 stars; one submission).

Conditions:
Developmental and epileptic encephalopathy, 23 (DEE23). Also called: Epileptic encephalopathy, early infantile, 23. Identifiers: Orphanet 411986, MedGen C4014492, MONDO:0014371, OMIM 615859.

Allele frequency attached by ClinVar (database versions not stated): ExAC 0.00002; gnomAD exomes 0.00003; gnomAD 0.00005 and 0.00006; TOPMed 0.00005.
gnomAD v4.1: 47 of 1,613,158 alleles (0.0029%); highest among the groups gnomAD compares: African/African-American, 0.011%; no homozygotes.

Submission:

Labcorp Genetics (formerly Invitae), Labcorp
Classification: Uncertain significance for Developmental and epileptic encephalopathy, 23. Last evaluated: 2022-08-23. Review status: criteria provided, single submitter. Criteria: Invitae Variant Classification Sherloc (09022015). Collection method: clinical testing. Allele origin: germline.
Comment: This sequence change replaces arginine, which is basic and polar, with cysteine, which is neutral and slightly polar, at codon 854 of the DOCK7 protein (p.Arg854Cys). This variant is present in population databases (rs759756037, gnomAD 0.01%). This variant has not been reported in the literature in individuals affected with DOCK7-related conditions. ClinVar contains an entry for this variant (Variation ID: 567569). Algorithms developed to predict the effect of missense changes on protein structure and function are either unavailable or do not agree on the potential impact of this missense change (SIFT: "Deleterious"; PolyPhen-2: "Probably Damaging"; Align-GVGD: "Class C0"). In summary, the available evidence is currently insufficient to determine the role of this variant in disease. Therefore, it has been classified as a Variant of Uncertain Significance.